The following is an entry in ClinVar:

ClinVar aggregate classification (germline): Conflicting classifications of pathogenicity. Review status: criteria provided, conflicting classifications (1 of 4 stars). 2 submissions from 2 submitters: Uncertain significance (1); Likely benign (1). Last evaluated 2025-02-28.

Conditions:
NHERF1-related disorder. Also called: NHERF1-related condition.

gnomAD v4.1: 27 of 1,595,292 alleles (0.0017%); highest among the groups gnomAD compares: East Asian, 0.038%; no homozygotes.

Submissions (2):

PreventionGenetics, part of Exact Sciences
Classification: Likely benign for NHERF1-related condition. Last evaluated: 2025-02-28. Review status: criteria provided, single submitter. Criteria: ACMG Guidelines, 2015. Collection method: clinical testing. Allele origin: germline.
Comment: This variant is classified as likely benign based on ACMG/AMP sequence variant interpretation guidelines (Richards et al. 2015 PMID: 25741868, with internal and published modifications).

Labcorp Genetics (formerly Invitae), Labcorp
Classification: Uncertain significance. Last evaluated: 2025-01-30. Review status: criteria provided, single submitter. Criteria: Invitae Variant Classification Sherloc (09022015). Collection method: clinical testing. Allele origin: germline.
Comment: This sequence change replaces alanine, which is neutral and non-polar, with valine, which is neutral and non-polar, at codon 9 of the SLC9A3R1 protein (p.Ala9Val). This variant is present in population databases (rs775644483, gnomAD 0.06%), and has an allele count higher than expected for a pathogenic variant. This variant has not been reported in the literature in individuals affected with SLC9A3R1-related conditions. An algorithm developed to predict the effect of missense changes on protein structure and function (PolyPhen-2) suggests that this variant is likely to be tolerated. In summary, the available evidence is currently insufficient to determine the role of this variant in disease. Therefore, it has been classified as a Variant of Uncertain Significance.

NM_004252.5(NHERF1):c.26C>T (p.Ala9Val)

Genes: NHERF1 (NHERF family PDZ scaffold protein 1; plus strand), SLC9A3R1-AS1 (SLC9A3R1 antisense RNA 1; minus strand). Cytogenetic location: 17q25.1.
Variant type: single nucleotide variant.
Coding change: c.26C>T on transcript NM_004252.5 (MANE Select); coding-DNA position 26, C replaced by T.
Protein change: p.Ala9Val; replaces alanine 9 with valine.
Molecular consequence: missense variant. On other transcripts: non-coding transcript variant (1).
Genome position (GRCh38, 1-based): chr17:74,748,872, C>T. VCF-style: chr17-74748872-C-T. GRCh37 (hg19) VCF-style: chr17-72745011-C-T.
Other names: c.26C>T (NM_004252.4); short protein forms A9V.
Identifiers: ClinVar variation 4749139 (VCV004749139.2).
Genomic context (GRCh38, chr17:74,748,872, plus strand): 5'-CCCCAAGTCGCGCCGCTGACCCGTCGCAGGGCGAGATGAGCGCGGACGCAGCGGCCGGGG[C>T]GCCCCTGCCCCGGCTCTGCTGCCTGGAGAAGGGTCCGAACGGCTACGGCTTCCACCTGCA-3'
Protein context (NP_004243.1, residues 1-19): MSADAAAG[Ala9Val]PLPRLCCLEK